The following is an entry in ClinVar:

NM_004727.3(SLC24A1):c.1778A>G (p.Tyr593Cys)

Gene: SLC24A1 (solute carrier family 24 member 1; plus strand). Cytogenetic location: 15q22.31.
Variant type: single nucleotide variant.
Coding change: c.1778A>G on transcript NM_004727.3 (MANE Select); coding-DNA position 1778, A replaced by G.
Protein change: p.Tyr593Cys; replaces tyrosine 593 with cysteine.
Molecular consequence: missense variant.
Genome position (GRCh38, 1-based): chr15:65,625,858, A>G. VCF-style: chr15-65625858-A-G. GRCh37 (hg19) VCF-style: chr15-65918196-A-G.
Other names: c.1778A>G, p.Tyr593Cys (NM_001301031.1, NM_001301032.1, NM_001301033.2 and 1 more transcripts); short protein forms Y593C.
Identifiers: ClinVar variation 3610472 (VCV003610472.2).

ClinVar aggregate classification (germline): Uncertain significance (1 of 4 stars; one submission).

gnomAD v4.1: 20 of 1,613,874 alleles (0.0012%); highest among the groups gnomAD compares: Non-Finnish European, 0.0017%; no homozygotes.

Submission:

Labcorp Genetics (formerly Invitae), Labcorp
Classification: Uncertain significance. Last evaluated: 2024-11-07. Review status: criteria provided, single submitter. Criteria: Invitae Variant Classification Sherloc (09022015). Collection method: clinical testing. Allele origin: germline.
Comment: This sequence change replaces tyrosine, which is neutral and polar, with cysteine, which is neutral and slightly polar, at codon 593 of the SLC24A1 protein (p.Tyr593Cys). This variant is present in population databases (rs370733466, gnomAD 0.002%). This variant has not been reported in the literature in individuals affected with SLC24A1-related conditions. An algorithm developed to predict the effect of missense changes on protein structure and function (PolyPhen-2) suggests that this variant is likely to be disruptive. In summary, the available evidence is currently insufficient to determine the role of this variant in disease. Therefore, it has been classified as a Variant of Uncertain Significance.